The following is an entry in ClinVar:

NM_000338.3(SLC12A1):c.2288TTC[1] (p.Leu764del)

Gene: SLC12A1 (solute carrier family 12 member 1; plus strand). Cytogenetic location: 15q21.1.
Variant type: Microsatellite.
Coding change: c.2288TTC[1] on transcript NM_000338.3 (MANE Select); one copy of the 3-base unit TTC starting at c.2288; the reference has two copies in a row; one copy, 3 bases deleted; also written c.2291_2293del.
Protein change: p.Leu764del; deletes leucine 764.
Molecular consequence: inframe deletion.
Genome position (GRCh38, 1-based): chr15:48,267,697-48,267,699, TTC deleted; deleting any 3 consecutive bases within chr15:48,267,692-48,267,699 gives the same sequence; the position shown is the placement nearest the transcript's 3' end. VCF-style (leftmost placement, unchanged base first): chr15-48267691-GTCT-G. GRCh37 (hg19) VCF-style: chr15-48559888-GTCT-G.
Other names: c.2291_2293del (NM_000338.3); c.2288TTC[1], p.Leu764del (NM_001184832.2, NM_001384136.1); short protein forms L764del.
Identifiers: ClinVar variation 2144313 (VCV002144313.2), dbSNP rs779610205, ClinGen allele CA7547338.

ClinVar aggregate classification (germline): Uncertain significance. Review status: criteria provided, multiple submitters, no conflicts (2 of 4 stars). 2 submissions from 2 submitters: Uncertain significance (2). Last evaluated 2024-01-22.

Conditions:
Bartter disease type 1. Also called: Bartter Syndrome type 1; HYPERPROSTAGLANDIN E SYNDROME 1; HYPOKALEMIC ALKALOSIS WITH HYPERCALCIURIA 1, ANTENATAL; Bartter syndrome, type 1, antenatal. Identifiers: Orphanet 112, Orphanet 620217, MedGen C1866495, MONDO:0100344, OMIM 601678, MONDO:0011127.

Submissions (2):

Fulgent Genetics
Classification: Uncertain significance for Bartter disease type 1. Last evaluated: 2024-01-22. Review status: criteria provided, single submitter. Criteria: ACMG Guidelines, 2015. Collection method: clinical testing. Allele origin: germline.

Labcorp Genetics (formerly Invitae), Labcorp
Classification: Uncertain significance. Last evaluated: 2022-03-24. Review status: criteria provided, single submitter. Criteria: Invitae Variant Classification Sherloc (09022015). Collection method: clinical testing. Allele origin: germline.
Comment: This variant, c.2291_2293del, results in the deletion of 1 amino acid(s) of the SLC12A1 protein (p.Leu764del), but otherwise preserves the integrity of the reading frame. This variant is present in population databases (rs779610205, gnomAD 0.05%). This variant has not been reported in the literature in individuals affected with SLC12A1-related conditions. Experimental studies and prediction algorithms are not available or were not evaluated, and the functional significance of this variant is currently unknown. In summary, the available evidence is currently insufficient to determine the role of this variant in disease. Therefore, it has been classified as a Variant of Uncertain Significance.